The following is an entry in ClinVar:

NM_000264.5(PTCH1):c.638C>G (p.Thr213Arg)

Gene: PTCH1 (patched 1; minus strand). Cytogenetic location: 9q22.32.
Variant type: single nucleotide variant.
Coding change: c.638C>G on transcript NM_000264.5 (MANE Select); coding-DNA position 638, C replaced by G.
Protein change: p.Thr213Arg; replaces threonine 213 with arginine.
Molecular consequence: missense variant. On other transcripts: non-coding transcript variant (1).
Genome position (GRCh38, 1-based): chr9:95,482,150, G>C on the plus strand (C>G on the coding strand, the complement: PTCH1 is on the minus strand). VCF-style: chr9-95482150-G-C. GRCh37 (hg19) VCF-style: chr9-98244432-G-C.
Other names: c.440C>G, p.Thr147Arg (NM_001083602.3, NM_001354919.2); c.635C>G, p.Thr212Arg (NM_001083603.3); c.185C>G, p.Thr62Arg (NM_001083604.3, NM_001083605.3, NM_001083606.3 and 1 more transcripts); c.638C>G, p.Thr213Arg (NM_001354918.2); c.638C>G (NM_000264.4); short protein forms T147R, T213R, T212R, T62R.
Identifiers: ClinVar variation 1753216 (VCV001753216.6), dbSNP rs1841592883, ClinGen allele CA374115044.
Genomic context (GRCh38, chr9:95,482,150, plus strand): 5'-TGGGGTGTTCCTGAGAAATTTTTGCCAACAAGAAGAAAATATACCTGATCCATGTAACCT[G>C]TTTCTGTGATAAGCTCTCCTGATTTGTAACACAAATGTTCCAATTTCCACTGCCTAATAA-3'
Protein context (NP_000255.2, residues 203-223): CYKSGELITE[Thr213Arg]GYMDQIIEYL

ClinVar aggregate classification (germline): Uncertain significance. Review status: criteria provided, multiple submitters, no conflicts (2 of 4 stars). 3 submissions from 3 submitters: Uncertain significance (3). Last evaluated 2025-03-21.

Conditions:
Hereditary cancer-predisposing syndrome. Also called: Neoplastic Syndromes, Hereditary; Tumor predisposition; Hereditary neoplastic syndrome; Hereditary Cancer Syndrome. Identifiers: Orphanet 140162, MedGen C0027672, MeSH D009386, MONDO:0015356.
Gorlin syndrome. Also called: Nevoid Basal Cell Carcinoma Syndrome; Basal cell nevus syndrome. Identifiers: Orphanet 377, MedGen C0004779, MONDO:0007187.

Allele frequency attached by ClinVar (database versions not stated): TOPMed below 0.00001.

Submissions (3):

Quest Diagnostics Nichols Institute San Juan Capistrano
Classification: Uncertain significance. Last evaluated: 2025-03-21. Review status: criteria provided, single submitter. Criteria: Quest Diagnostics criteria. Collection method: clinical testing. Allele origin: unknown.
Comment: The PTCH1 c.638C>G (p.Thr213Arg) variant has not been reported in individuals with PTCH1-related conditions in the published literature. It also has not been reported in large, multi-ethnic general populations (Genome Aggregation Database). Analysis of this variant using bioinformatics tools for the prediction of the effect of amino acid changes on protein structure and function yielded predictions that this variant is benign. Based on the available information, we are unable to determine the clinical significance of this variant.

Ambry Genetics
Classification: Uncertain significance for Hereditary cancer-predisposing syndrome. Last evaluated: 2025-03-15. Review status: criteria provided, single submitter. Criteria: Ambry Variant Classification Scheme 2023. Collection method: clinical testing. Allele origin: germline.
Comment: The p.T213R variant (also known as c.638C>G), located in coding exon 4 of the PTCH1 gene, results from a C to G substitution at nucleotide position 638. The threonine at codon 213 is replaced by arginine, an amino acid with similar properties. This amino acid position is well conserved in available vertebrate species. In addition, the in silico prediction for this alteration is inconclusive. Since supporting evidence is limited at this time, the clinical significance of this alteration remains unclear.

Labcorp Genetics (formerly Invitae), Labcorp
Classification: Uncertain significance for Gorlin syndrome. Last evaluated: 2024-03-19. Review status: criteria provided, single submitter. Criteria: Invitae Variant Classification Sherloc (09022015). Collection method: clinical testing. Allele origin: germline.
Comment: This sequence change replaces threonine, which is neutral and polar, with arginine, which is basic and polar, at codon 213 of the PTCH1 protein (p.Thr213Arg). This variant is not present in population databases (gnomAD no frequency). This variant has not been reported in the literature in individuals affected with PTCH1-related conditions. ClinVar contains an entry for this variant (Variation ID: 1753216). Advanced modeling of protein sequence and biophysical properties (such as structural, functional, and spatial information, amino acid conservation, physicochemical variation, residue mobility, and thermodynamic stability) performed at Invitae indicates that this missense variant is not expected to disrupt PTCH1 protein function with a negative predictive value of 95%. In summary, the available evidence is currently insufficient to determine the role of this variant in disease. Therefore, it has been classified as a Variant of Uncertain Significance.